The following is an entry in ClinVar:

NM_001556.3(IKBKB):c.1468A>G (p.Ile490Val)

Gene: IKBKB (inhibitor of nuclear factor kappa B kinase subunit beta; plus strand). Cytogenetic location: 8p11.21.
Variant type: single nucleotide variant.
Coding change: c.1468A>G on transcript NM_001556.3 (MANE Select); coding-DNA position 1468, A replaced by G.
Protein change: p.Ile490Val; replaces isoleucine 490 with valine.
Molecular consequence: missense variant. On other transcripts: non-coding transcript variant (3).
Genome position (GRCh38, 1-based): chr8:42,319,373, A>G. VCF-style: chr8-42319373-A-G. GRCh37 (hg19) VCF-style: chr8-42176891-A-G.
Other names: c.1276A>G, p.Ile426Val (NM_001190720.3); c.1291A>G, p.Ile431Val (NM_001242778.2); short protein forms I490V, I426V, I431V.
Identifiers: ClinVar variation 1418724 (VCV001418724.8), dbSNP rs1819332008, ClinGen allele CA371090494.
Genomic context (GRCh38, chr8:42,319,373, plus strand): 5'-AATTCCATGGCTTCCATGTCTCAGCAGCTCAAGGCCAAGTTGGATTTCTTCAAAACCAGC[A>G]TCCAGATTGACCTGGAGAAGTACAGCGAGCAAACCGAGTTTGGGATCAGTGAGTGTGCAC-3'
Protein context (NP_001547.1, residues 480-500): KAKLDFFKTS[Ile490Val]QIDLEKYSEQ

ClinVar aggregate classification (germline): Uncertain significance (1 of 4 stars; one submission).

Conditions:
Severe combined immunodeficiency due to IKK2 deficiency. Also called: IMMUNODEFICIENCY 15B; Immunodeficiency 15. Identifiers: Orphanet 397787, MedGen C4747743, MONDO:0014267, OMIM 615592.

Allele frequency attached by ClinVar (database versions not stated): gnomAD exomes below 0.00001.
gnomAD v4.1: 1 of 1,614,204 alleles (0.000062%); highest among the groups gnomAD compares: Non-Finnish European, 0.000085%; no homozygotes.

Submission:

Labcorp Genetics (formerly Invitae), Labcorp
Classification: Uncertain significance for Severe combined immunodeficiency due to IKK2 deficiency. Last evaluated: 2020-12-22. Review status: criteria provided, single submitter. Criteria: Invitae Variant Classification Sherloc (09022015). Collection method: clinical testing. Allele origin: germline.
Comment: This variant is not present in population databases (ExAC no frequency). In summary, the available evidence is currently insufficient to determine the role of this variant in disease. Therefore, it has been classified as a Variant of Uncertain Significance. Advanced modeling of protein sequence and biophysical properties (such as structural, functional, and spatial information, amino acid conservation, physicochemical variation, residue mobility, and thermodynamic stability) performed at Invitae indicates that this missense variant is not expected to disrupt IKBKB protein function. This variant has not been reported in the literature in individuals with IKBKB-related conditions. This sequence change replaces isoleucine with valine at codon 490 of the IKBKB protein (p.Ile490Val). The isoleucine residue is moderately conserved and there is a small physicochemical difference between isoleucine and valine.